The following is an entry in ClinVar:

NM_001101.5(ACTB):c.1067G>A (p.Trp356Ter)

Gene: ACTB (actin beta; minus strand). Cytogenetic location: 7p22.1.
Variant type: single nucleotide variant.
Coding change: c.1067G>A on transcript NM_001101.5 (MANE Select); coding-DNA position 1067, G replaced by A.
Protein change: p.Trp356Ter; replaces tryptophan 356 with a stop codon.
Molecular consequence: nonsense.
Genome position (GRCh38, 1-based): chr7:5,527,809, C>T on the plus strand (G>A on the coding strand, the complement: ACTB is on the minus strand). VCF-style: chr7-5527809-C-T. GRCh37 (hg19) VCF-style: chr7-5567440-C-T.
Other names: short protein forms W356*.
Identifiers: ClinVar variation 4291104 (VCV004291104.1).

ClinVar aggregate classification (germline): Likely pathogenic (1 of 4 stars; one submission).

Conditions:
ACTB-associated syndromic thrombocytopenia (THC8). Also called: THROMBOCYTOPENIA 8, WITH DYSMORPHIC FEATURES AND DEVELOPMENTAL DELAY; THROMBOCYTOPENIA, AUTOSOMAL DOMINANT, 8. Identifiers: Orphanet 674653, MedGen C5882677, MONDO:0100433, OMIM 620475.

Submission:

Institute of Human Genetics, University of Leipzig Medical Center
Classification: Likely pathogenic for ACTB-associated syndromic thrombocytopenia. Last evaluated: 2025-09-24. Review status: criteria provided, single submitter. Criteria: ACMG Guidelines, 2015. Collection method: clinical testing. Allele origin: de novo. Inheritance: Autosomal dominant inheritance. Affected: yes.
Comment: Criteria applied: PM2,PS2_MOD,PVS1_MOD